The following is an entry in ClinVar:

ClinVar aggregate classification (germline): Benign/Likely benign. Review status: criteria provided, multiple submitters, no conflicts (2 of 4 stars). 4 submissions from 4 submitters: Benign (1); Likely benign (2). 1 of the submissions does not count toward it. Last evaluated 2025-12-08.

Conditions:
CHD7-related disorder. Also called: CHD7-related condition.
Inborn genetic diseases. Identifiers: MedGen C0950123, MeSH D030342.
CHARGE syndrome (CHARGE). Also called: Coloboma, heart anomaly, choanal atresia, retardation, genital and ear anomalies; CHARGE association; Hall-Hittner syndrome; Hittner Hirsch Kreh syndrome; CHARGE ASSOCIATION--COLOBOMA, HEART ANOMALY, CHOANAL ATRESIA, RETARDATION, GENITAL AND EAR ANOMALIES. Identifiers: Orphanet 138, MedGen C0265354, MONDO:0008965.

Allele frequency attached by ClinVar (database versions not stated): ExAC 0.00005; gnomAD 0.00013; TOPMed 0.00016.
gnomAD v4.1: 49 of 1,612,684 alleles (0.003%); highest among the groups gnomAD compares: African/African-American, 0.061%; no homozygotes.

Submissions (4):

Labcorp Genetics (formerly Invitae), Labcorp
Classification: Benign for CHARGE syndrome. Last evaluated: 2025-12-08. Review status: criteria provided, single submitter. Criteria: Invitae Variant Classification Sherloc (09022015). Collection method: clinical testing. Allele origin: germline.

Ambry Genetics
Classification: Likely benign for Inborn genetic diseases. Last evaluated: 2025-04-13. Review status: criteria provided, single submitter. Criteria: Ambry Variant Classification Scheme 2023. Collection method: clinical testing. Allele origin: germline.

Institute for Genomic Medicine (IGM) Clinical Laboratory, Nationwide Children's Hospital
Classification: Likely benign. Last evaluated: 2017-05-15. Review status: criteria provided, single submitter. Criteria: ACMG Guidelines, 2015. Collection method: clinical testing. Allele origin: germline.
Comment: BS2, BP1.

PreventionGenetics, part of Exact Sciences
Classification: Likely benign for CHD7-related condition. Last evaluated: 2024-06-21. Review status: no assertion criteria provided. Collection method: clinical testing. Allele origin: germline. Not counted in ClinVar's aggregate classification.
Comment: This variant is classified as likely benign based on ACMG/AMP sequence variant interpretation guidelines (Richards et al. 2015 PMID: 25741868, with internal and published modifications).

NM_017780.4(CHD7):c.1423A>G (p.Met475Val)

Gene: CHD7 (chromodomain helicase DNA binding protein 7; plus strand). Cytogenetic location: 8q12.2.
Variant type: single nucleotide variant.
Coding change: c.1423A>G on transcript NM_017780.4 (MANE Select); coding-DNA position 1423, A replaced by G.
Protein change: p.Met475Val; replaces methionine 475 with valine.
Molecular consequence: missense variant.
Genome position (GRCh38, 1-based): chr8:60,742,855, A>G. VCF-style: chr8-60742855-A-G. GRCh37 (hg19) VCF-style: chr8-61655414-A-G.
Other names: c.1423A>G, p.Met475Val (NM_001316690.1); short protein forms M475V.
Identifiers: ClinVar variation 599438 (VCV000599438.13), dbSNP rs773039925, ClinGen allele CA4759490.